The following is an entry in ClinVar:

ClinVar aggregate classification (germline): Likely benign (0 of 4 stars; one submission).

Conditions:
ERBB3-related disorder. Also called: ERBB3-related condition.

Allele frequency attached by ClinVar (database versions not stated): TOPMed 0.00005; ESP Exome Variant Server 0.00008; gnomAD 0.00015; gnomAD exomes 0.00027; ExAC 0.00067; 1000 Genomes Project 30x 0.00078; 1000 Genomes Project 0.00100.
gnomAD v4.1: 413 of 1,613,786 alleles (0.026%); highest among the groups gnomAD compares: South Asian, 0.41%; 2 homozygotes.

Submission:

PreventionGenetics, part of Exact Sciences
Classification: Likely benign for ERBB3-related condition. Last evaluated: 2023-09-08. Review status: no assertion criteria provided. Collection method: clinical testing. Allele origin: germline.
Comment: This variant is classified as likely benign based on ACMG/AMP sequence variant interpretation guidelines (Richards et al. 2015 PMID: 25741868, with internal and published modifications).

NM_001982.4(ERBB3):c.1424G>A (p.Arg475Gln)

Gene: ERBB3 (erb-b2 receptor tyrosine kinase 3; plus strand). Cytogenetic location: 12q13.2.
Variant type: single nucleotide variant.
Coding change: c.1424G>A on transcript NM_001982.4 (MANE Select); coding-DNA position 1424, G replaced by A.
Protein change: p.Arg475Gln; replaces arginine 475 with glutamine.
Molecular consequence: missense variant.
Genome position (GRCh38, 1-based): chr12:56,093,494, G>A. VCF-style: chr12-56093494-G-A. GRCh37 (hg19) VCF-style: chr12-56487278-G-A.
Other names: short protein forms R475Q.
Identifiers: ClinVar variation 3054239 (VCV003054239.2), dbSNP rs372171124, ClinGen allele CA6622270.